The following is an entry in ClinVar:

NM_006035.4(CDC42BPB):c.2578-54T>G

Gene: CDC42BPB (CDC42 binding protein kinase beta; minus strand). Cytogenetic location: 14q32.32.
Variant type: single nucleotide variant.
Coding change: c.2578-54T>G on transcript NM_006035.4 (MANE Select); 54 bases into the intron before coding-DNA position 2578, T replaced by G.
Molecular consequence: intron variant.
Genome position (GRCh38, 1-based): chr14:102,964,704, A>C on the plus strand (T>G on the coding strand, the complement: CDC42BPB is on the minus strand). VCF-style: chr14-102964704-A-C. GRCh37 (hg19) VCF-style: chr14-103431041-A-C.
Other names: c.2578-54T>G (NM_001411054.1).
Identifiers: ClinVar variation 3775915 (VCV003775915.1).

ClinVar aggregate classification (germline): Uncertain significance (1 of 4 stars; one submission).

Conditions:
Chilton-Okur-Chung neurodevelopmental syndrome (CHOCNS). Identifiers: MedGen C5677022, MONDO:0859239, OMIM 619841.

Submission:

3billion
Classification: Uncertain significance for Chilton-Okur-Chung neurodevelopmental syndrome. Last evaluated: 2023-12-21. Review status: criteria provided, single submitter. Criteria: ACMG Guidelines, 2015. Collection method: clinical testing. Allele origin: germline. Affected: yes.
Comment: The variant is not observed in the gnomAD v2.1.1 dataset. Predicted Consequence/Location: Intron variant In silico tools predict the variant to alter splicing and produce an abnormal transcript [SpliceAI: 0.70 (>=0.2, moderate evidence for spliceogenicity)]. Therefore, this variant is classified as VUS according to the recommendation of ACMG/AMP guideline.